The following is an entry in ClinVar:

ClinVar aggregate classification (germline): Uncertain significance. Review status: criteria provided, multiple submitters, no conflicts (2 of 4 stars). 3 submissions from 3 submitters: Uncertain significance (3). Last evaluated 2024-08-21.

Conditions:
Inborn genetic diseases. Identifiers: MedGen C0950123, MeSH D030342.
Neutral 1 amino acid transport defect (HND). Also called: Hartnup disease; HARTNUP DISORDER. Identifiers: Orphanet 2116, MedGen C0018609, MONDO:0009324, OMIM 234500.

Allele frequency attached by ClinVar (database versions not stated): gnomAD exomes 0.00002 and 0.00004; ExAC 0.00005; ESP Exome Variant Server 0.00008; 1000 Genomes Project 30x 0.00016; gnomAD 0.00017; 1000 Genomes Project 0.00020; TOPMed 0.00048.
gnomAD v4.1: 41 of 1,613,666 alleles (0.0025%); highest among the groups gnomAD compares: Admixed American, 0.057%; no homozygotes.

Submissions (3):

Ambry Genetics
Classification: Uncertain significance for Inborn genetic diseases. Last evaluated: 2024-08-21. Review status: criteria provided, single submitter. Criteria: Ambry Variant Classification Scheme 2023. Collection method: clinical testing. Allele origin: germline.

Fulgent Genetics
Classification: Uncertain significance for Neutral 1 amino acid transport defect. Last evaluated: 2024-06-11. Review status: criteria provided, single submitter. Criteria: ACMG Guidelines, 2015. Collection method: clinical testing. Allele origin: germline.

Labcorp Genetics (formerly Invitae), Labcorp
Classification: Uncertain significance. Last evaluated: 2022-08-22. Review status: criteria provided, single submitter. Criteria: Invitae Variant Classification Sherloc (09022015). Collection method: clinical testing. Allele origin: germline.
Comment: This sequence change replaces asparagine, which is neutral and polar, with lysine, which is basic and polar, at codon 515 of the SLC6A19 protein (p.Asn515Lys). This variant is present in population databases (rs372599057, gnomAD 0.02%). This variant has not been reported in the literature in individuals affected with SLC6A19-related conditions. ClinVar contains an entry for this variant (Variation ID: 1514953). Algorithms developed to predict the effect of missense changes on protein structure and function (SIFT, PolyPhen-2, Align-GVGD) all suggest that this variant is likely to be disruptive. In summary, the available evidence is currently insufficient to determine the role of this variant in disease. Therefore, it has been classified as a Variant of Uncertain Significance.

NM_001003841.3(SLC6A19):c.1545T>A (p.Asn515Lys)

Gene: SLC6A19 (solute carrier family 6 member 19; plus strand). Cytogenetic location: 5p15.33.
Variant type: single nucleotide variant.
Coding change: c.1545T>A on transcript NM_001003841.3 (MANE Select); coding-DNA position 1545, T replaced by A.
Protein change: p.Asn515Lys; replaces asparagine 515 with lysine.
Molecular consequence: missense variant.
Genome position (GRCh38, 1-based): chr5:1,221,157, T>A. VCF-style: chr5-1221157-T-A. GRCh37 (hg19) VCF-style: chr5-1221272-T-A.
Other names: c.1545T>A (NM_001003841.2); short protein forms N515K.
Identifiers: ClinVar variation 1514953 (VCV001514953.9), dbSNP rs372599057, ClinGen allele CA3183225.